The following is an entry in ClinVar:

ClinVar aggregate classification (germline): Conflicting classifications of pathogenicity. Review status: criteria provided, conflicting classifications (1 of 4 stars). 7 submissions from 6 submitters: Uncertain significance (3); Likely benign (3). 1 of the submissions does not count toward it. Last evaluated 2025-06-04.

Conditions:
Hypercholesterolemia, autosomal dominant, type B (FHCL2). Also called: HYPERCHOLESTEROLEMIA, FAMILIAL, DUE TO LIGAND-DEFECTIVE APOLIPOPROTEIN B; Familial Hypercholesterolemia Type B; APOLIPOPROTEIN B-100, FAMILIAL DEFECTIVE; APOLIPOPROTEIN B-100, FAMILIAL LIGAND-DEFECTIVE; Familial hypercholesterolemia 2; APOB-Related Familial Hypercholesterolemia, Autosomal Dominant. Identifiers: MedGen C1704417, MONDO:0007751, OMIM 144010.
Cardiovascular phenotype. Identifiers: MedGen CN230736.
Familial hypobetalipoproteinemia 1. Also called: APOB-Related Familial Hypobetalipoproteinemia; Hypobetalipoproteinemia, normotriglyceridemic; Acanthocytosis with hypobetalipoproteinemia. Identifiers: MedGen C4551990, MONDO:0014252, OMIM 615558.
Hypercholesterolemia, familial, 1. Also called: LDL RECEPTOR DISORDER; Hyperlipoproteinemia Type IIa; HYPER-LOW-DENSITY-LIPOPROTEINEMIA; HYPERCHOLESTEROLEMIC XANTHOMATOSIS, FAMILIAL; Fredrickson type IIa hyperlipoproteinemia; Hyperlipoproteinemia type 2. Identifiers: Orphanet 391665, MedGen C0745103, MONDO:0007750, OMIM 143890.

Allele frequency attached by ClinVar (database versions not stated): gnomAD exomes 0.00002; gnomAD 0.00004 and 0.00005; TOPMed 0.00005; ExAC 0.00002.
gnomAD v4.1: 37 of 1,613,828 alleles (0.0023%); highest among the groups gnomAD compares: Non-Finnish European, 0.0031%; no homozygotes.

Submissions (7):

Quest Diagnostics Nichols Institute San Juan Capistrano
Classification: Uncertain significance. Last evaluated: 2025-06-04. Review status: criteria provided, single submitter. Criteria: Quest Diagnostics criteria. Collection method: clinical testing. Allele origin: unknown.
Comment: The APOB c.10739A>G (p.Asn3580Ser) variant has been reported in the published literature in as a variant of uncertain significance in a large population screening study (PMID: 32719484 (2020)). The frequency of this variant in the general population (Genome Aggregation Database) is uninformative in the assessment of its pathogenicity. Analysis of this variant using bioinformatics tools for the prediction of the effect of amino acid changes on protein structure and function yielded predictions that this variant is benign. Additional analysis using software algorithms for the prediction of the effect of nucleotide changes on APOB mRNA splicing yielded predictions that this variant may result in the gain of a cryptic splice site without affecting the natural splice sites. Based on the available information, we are unable to determine the clinical significance of this variant.

Labcorp Genetics (formerly Invitae), Labcorp
Classification: Likely benign for Familial hypobetalipoproteinemia 1; Hypercholesterolemia, autosomal dominant, type B. Last evaluated: 2025-03-05. Review status: criteria provided, single submitter. Criteria: Invitae Variant Classification Sherloc (09022015). Collection method: clinical testing. Allele origin: germline.

Ambry Genetics
Classification: Likely benign for Cardiovascular phenotype. Last evaluated: 2019-10-16. Review status: criteria provided, single submitter. Criteria: Ambry Variant Classification Scheme 2023. Collection method: clinical testing. Allele origin: germline.

Laboratory for Molecular Medicine, Mass General Brigham Personalized Medicine
Classification: Likely benign. Last evaluated: 2019-05-08. Review status: criteria provided, single submitter. Criteria: ACMG Guidelines, 2015. Collection method: clinical testing. Allele origin: germline.
Comment: The p.Asn3580Ser variant in APOB is classified as likely benign due to a lack of conservation across species, greater than 25 mammals carry a serine (Ser) at this position despite high nearby amino acid conservation. In addition, computational prediction tools predict that this variant does not impact the protein. It has been identified in (6/282312) of European chromosomes by gnomAD. ACMG/AMP Criteria applied: BP4_Strong.

Illumina Laboratory Services, Illumina
Classification: Uncertain significance for Familial hypobetalipoproteinemia 1. Last evaluated: 2017-08-13. Review status: criteria provided, single submitter. Criteria: ICSL Variant Classification Criteria 13 December 2019. Collection method: clinical testing. Allele origin: germline.

Illumina Laboratory Services, Illumina
Classification: Uncertain significance for Hypercholesterolemia, autosomal dominant, type B. Last evaluated: 2017-08-13. Review status: criteria provided, single submitter. Criteria: ICSL Variant Classification Criteria 13 December 2019. Collection method: clinical testing. Allele origin: germline.

Laboratorium voor Moleculaire Diagnostiek Experimentele Vasculaire Geneeskunde, Academisch Medisch Centrum
Classification: Pathogenic for Familial hypercholesterolemia. Review status: no assertion criteria provided. Collection method: research. Allele origin: germline. Not counted in ClinVar's aggregate classification.

Literature cited by the submitters: PubMed 32719484 (cited by Quest Diagnostics Nichols Institute San Juan Capistrano).

NM_000384.3(APOB):c.10739A>G (p.Asn3580Ser)

Gene: APOB (apolipoprotein B; minus strand). Cytogenetic location: 2p24.1.
Variant type: single nucleotide variant.
Coding change: c.10739A>G on transcript NM_000384.3 (MANE Select); coding-DNA position 10739, A replaced by G.
Protein change: p.Asn3580Ser; replaces asparagine 3580 with serine.
Molecular consequence: missense variant.
Genome position (GRCh38, 1-based): chr2:21,006,129, T>C on the plus strand (A>G on the coding strand, the complement: APOB is on the minus strand). VCF-style: chr2-21006129-T-C. GRCh37 (hg19) VCF-style: chr2-21229001-T-C.
Other names: short protein forms N3580S.
Identifiers: ClinVar variation 440518 (VCV000440518.15), dbSNP rs762028704, ClinGen allele CA044574.